The following is an entry in ClinVar:

NM_002074.5(GNB1):c.581C>G (p.Pro194Arg)

Gene: GNB1 (G protein subunit beta 1; minus strand). Cytogenetic location: 1p36.33.
Variant type: single nucleotide variant.
Coding change: c.581C>G on transcript NM_002074.5 (MANE Select); coding-DNA position 581, C replaced by G.
Protein change: p.Pro194Arg; replaces proline 194 with arginine.
Molecular consequence: missense variant.
Genome position (GRCh38, 1-based): chr1:1,790,513, G>C on the plus strand (C>G on the coding strand, the complement: GNB1 is on the minus strand). VCF-style: chr1-1790513-G-C. GRCh37 (hg19) VCF-style: chr1-1721952-G-C.
Other names: c.281C>G, p.Pro94Arg (NM_001282538.2); c.581C>G, p.Pro194Arg (NM_001282539.2); short protein forms P194R, P94R.
Identifiers: ClinVar variation 3697855 (VCV003697855.2).
Genomic context (GRCh38, chr1:1,790,513, plus strand): 5'-CGCACATCCCAGAGTTTGGCTGAAGCATCACAAGCACCAGAGACGAACAGTCTGGTGTCA[G>C]GAGCAAGAGAAAGGCTCATGACATCTCCAGTGTGTCCGGTAAACGTGGTCGTCTGCTGGC-3'
Protein context (NP_002065.1, residues 184-204): TGDVMSLSLA[Pro194Arg]DTRLFVSGAC

ClinVar aggregate classification (germline): Uncertain significance (1 of 4 stars; one submission).

gnomAD v4.1: 2 of 1,612,516 alleles (0.00012%); highest among the groups gnomAD compares: Non-Finnish European, 0.00017%; no homozygotes.

Submission:

Labcorp Genetics (formerly Invitae), Labcorp
Classification: Uncertain significance. Last evaluated: 2025-03-30. Review status: criteria provided, single submitter. Criteria: Invitae Variant Classification Sherloc (09022015). Collection method: clinical testing. Allele origin: germline.
Comment: This sequence change replaces proline, which is neutral and non-polar, with arginine, which is basic and polar, at codon 194 of the GNB1 protein (p.Pro194Arg). This variant is present in population databases (rs780992762, gnomAD 0.007%). This variant has not been reported in the literature in individuals affected with GNB1-related conditions. Invitae Evidence Modeling of protein sequence and biophysical properties (such as structural, functional, and spatial information, amino acid conservation, physicochemical variation, residue mobility, and thermodynamic stability) indicates that this missense variant is not expected to disrupt GNB1 protein function with a negative predictive value of 80%. In summary, the available evidence is currently insufficient to determine the role of this variant in disease. Therefore, it has been classified as a Variant of Uncertain Significance.